The following is an entry in ClinVar:

ClinVar aggregate classification (germline): Pathogenic/Likely pathogenic. Review status: criteria provided, multiple submitters, no conflicts (2 of 4 stars). 9 submissions from 9 submitters: Pathogenic (2); Likely pathogenic (3). 4 of the submissions do not count toward it. Last evaluated 2026-06-01.

Conditions:
Congenital myasthenic syndrome (CMS). Also called: Congenital Myasthenic Syndromes. Identifiers: Orphanet 590, MedGen C0751882, MeSH D020294, MONDO:0018940.
Familial infantile myasthenia (CMS6). Also called: MYASTHENIC SYNDROME, CONGENITAL, 6, PRESYNAPTIC; MYASTHENIC SYNDROME, PRESYNAPTIC, CONGENITAL, ASSOCIATED WITH EPISODIC APNEA; Congenital myasthenic syndrome type 6. Identifiers: Orphanet 590, MedGen C0393929, MONDO:0009689, OMIM 254210.

Allele frequency attached by ClinVar (database versions not stated): gnomAD exomes 0.00007 and 0.00009; gnomAD 0.00001 and 0.00003; TOPMed 0.00006; ExAC 0.00010.
gnomAD v4.1: 106 of 1,613,904 alleles (0.0066%); highest among the groups gnomAD compares: Non-Finnish European, 0.0056%; no homozygotes.

Submissions (9):

GeneDx
Classification: Pathogenic. Last evaluated: 2026-06-01. Review status: criteria provided, single submitter. Criteria: GeneDx Variant Classification Process June 2021. Collection method: clinical testing. Allele origin: germline.
Comment: Published functional studies demonstrate that this variant results in lack of catalytic efficiency of the ChAT enzyme (PMID: 11172068, 24844149); Previously reported in an individual with CMS who had a second CHAT variant, however segregation data was not provided (PMID: 11172068); In silico analysis supports that this missense variant has a deleterious effect on protein structure/function; This variant is associated with the following publications: (PMID: 31589614, 19688192, 24844149, 15131697, 33650116, 15381704, 15477102, 29783273, 26080897, 11172068)

Women's Health and Genetics/Laboratory Corporation of America, LabCorp
Classification: Likely pathogenic for Congenital myasthenic syndrome. Last evaluated: 2025-05-22. Review status: criteria provided, single submitter. Criteria: LabCorp Variant Classification Summary - May 2015. Collection method: clinical testing. Allele origin: germline.
Comment: Variant summary: CHAT c.1679G>A (p.Arg560His) results in a non-conservative amino acid change located in the Choline/carnitine acyltransferase domain of the encoded protein sequence. Algorithms developed to predict the effect of missense changes on protein structure and function all suggest that this variant is likely to be disruptive. The variant allele was found at a frequency of 8.8e-05 in 251294 control chromosomes (gnomAD). This frequency is not significantly higher than estimated for a pathogenic variant in CHAT causing Congenital Myasthenic Syndrome (8.8e-05 vs 0.00079), allowing no conclusion about variant significance. c.1679G>A has been reported in the literature in one individual affected with Congenital Myasthenic Syndrome (Ohno_2001, internal data). These data indicate that the variant may be associated with disease. At least one publication reports experimental evidence evaluating an impact on protein function. The most pronounced variant effect results in <10% of normal activity (Ohno_2001, Dobransky_2004). The following publications have been ascertained in the context of this evaluation (PMID: 15381704, 11172068). ClinVar contains an entry for this variant (Variation ID: 17510). Based on the evidence outlined above, the variant was classified as likely pathogenic.

Labcorp Genetics (formerly Invitae), Labcorp
Classification: Likely pathogenic for Familial infantile myasthenia. Last evaluated: 2024-10-15. Review status: criteria provided, single submitter. Criteria: Invitae Variant Classification Sherloc (09022015). Collection method: clinical testing. Allele origin: germline.
Comment: This sequence change replaces arginine, which is basic and polar, with histidine, which is basic and polar, at codon 560 of the CHAT protein (p.Arg560His). This variant is present in population databases (rs121912819, gnomAD 0.1%). This missense change has been observed in individuals with clinical features of congenital myasthenic syndrome (PMID: 11172068; internal data). This variant is also known as R442H. ClinVar contains an entry for this variant (Variation ID: 17510). Invitae Evidence Modeling of protein sequence and biophysical properties (such as structural, functional, and spatial information, amino acid conservation, physicochemical variation, residue mobility, and thermodynamic stability) indicates that this missense variant is expected to disrupt CHAT protein function with a positive predictive value of 95%. Experimental studies have shown that this missense change affects CHAT function (PMID: 11172068, 15381704). In summary, the currently available evidence indicates that the variant is pathogenic, but additional data are needed to prove that conclusively. Therefore, this variant has been classified as Likely Pathogenic.

3billion
Classification: Pathogenic for Familial infantile myasthenia. Last evaluated: 2024-07-30. Review status: criteria provided, single submitter. Criteria: ACMG Guidelines, 2015. Collection method: clinical testing. Allele origin: germline. Affected: yes.
Comment: The variant is observed at an extremely low frequency in the gnomAD v4.0.0 dataset (total allele frequency: 0.007%). Functional studies provide moderate evidence of the variant having a damaging effect on the gene or gene product (PMID: 11172068, 15381704). In silico tool predictions suggest damaging effect of the variant on gene or gene product [REVEL: 0.94 (>=0.6, sensitivity 0.68 and specificity 0.92); 3Cnet: 0.92 (>=0.6, sensitivity 0.72 and precision 0.9)]. The same nucleotide change resulting in the same amino acid change has been previously reported as pathogenic/likely pathogenic with strong evidence (ClinVar ID: VCV000017510 / PMID: 11172068). A different missense change at the same codon (p.Arg560Cys) has been reported to be associated with CHAT related disorder (ClinVar ID: VCV002993039). The variant has been reported to be in trans with a pathogenic variant as either compound heterozygous or homozygous in at least one similarly affected unrelated individual (3billion database). Therefore, this variant is classified as pathogenic according to the recommendation of ACMG/AMP guideline.

Baylor Genetics
Classification: Likely pathogenic for Familial infantile myasthenia. Last evaluated: 2024-03-07. Review status: criteria provided, single submitter. Criteria: ACMG Guidelines, 2015. Collection method: clinical testing. Allele origin: unknown.

OMIM
Classification: Pathogenic for MYASTHENIC SYNDROME, CONGENITAL, 6, PRESYNAPTIC. Last evaluated: 2001-02-13. Review status: no assertion criteria provided. Collection method: literature only. Allele origin: germline. Not counted in ClinVar's aggregate classification.

Diagnostic Laboratory, Department of Genetics, University Medical Center Groningen
Classification: Uncertain significance. Review status: no assertion criteria provided. Collection method: clinical testing. Allele origin: germline. Affected: yes. Study: VKGL Data-share Consensus. Not counted in ClinVar's aggregate classification.

Genome Diagnostics Laboratory, Amsterdam University Medical Center
Classification: Uncertain significance. Review status: no assertion criteria provided. Collection method: clinical testing. Allele origin: germline. Affected: yes. Study: VKGL Data-share Consensus. Not counted in ClinVar's aggregate classification.

Joint Genome Diagnostic Labs from Nijmegen and Maastricht, Radboudumc and MUMC+
Classification: Uncertain significance. Review status: no assertion criteria provided. Collection method: clinical testing. Allele origin: germline. Affected: yes. Study: VKGL Data-share Consensus. Not counted in ClinVar's aggregate classification.

Literature cited by the submitters: PubMed 15381704 (cited by Women's Health and Genetics/Laboratory Corporation of America, LabCorp and Labcorp Genetics (formerly Invitae), Labcorp); PubMed 11172068 (cited by 3 submitters).

NM_020549.5(CHAT):c.1679G>A (p.Arg560His)

Gene: CHAT (choline O-acetyltransferase; plus strand). Cytogenetic location: 10q11.23.
Variant type: single nucleotide variant.
Coding change: c.1679G>A on transcript NM_020549.5 (MANE Select); coding-DNA position 1679, G replaced by A.
Protein change: p.Arg560His; replaces arginine 560 with histidine.
Molecular consequence: missense variant.
Genome position (GRCh38, 1-based): chr10:49,655,139, G>A. VCF-style: chr10-49655139-G-A. GRCh37 (hg19) VCF-style: chr10-50863185-G-A.
Other names: c.1325G>A, p.Arg442His (NM_001142929.2, NM_001142934.2, NM_020984.4 and 2 more transcripts); c.1433G>A, p.Arg478His (NM_001142933.2); short protein forms R560H, R442H, R478H.
Identifiers: ClinVar variation 17510 (VCV000017510.22), dbSNP rs121912819, ClinGen allele CA257987.